The following is an entry in ClinVar:

ClinVar aggregate classification (germline): Uncertain significance (1 of 4 stars; one submission).

Conditions:
Microcephaly-intellectual disability-sensorineural hearing loss-epilepsy-abnormal muscle tone syndrome (NEDHSB). Also called: NEURODEVELOPMENTAL DISORDER WITH HEARING LOSS, SEIZURES, AND BRAIN ABNORMALITIES. Identifiers: Orphanet 457351, MedGen C4225276, MONDO:0014698, OMIM 616577.

Allele frequency attached by ClinVar (database versions not stated): gnomAD exomes 0.00001; ExAC 0.00002; gnomAD 0.00002; TOPMed 0.00002.
gnomAD v4.1: 12 of 1,610,730 alleles (0.00075%); highest among the groups gnomAD compares: Non-Finnish European, 0.00093%; no homozygotes.

Submission:

Labcorp Genetics (formerly Invitae), Labcorp
Classification: Uncertain significance for Microcephaly-intellectual disability-sensorineural hearing loss-epilepsy-abnormal muscle tone syndrome. Last evaluated: 2022-08-23. Review status: criteria provided, single submitter. Criteria: Invitae Variant Classification Sherloc (09022015). Collection method: clinical testing. Allele origin: germline.
Comment: This sequence change replaces asparagine, which is neutral and polar, with serine, which is neutral and polar, at codon 467 of the SPATA5 protein (p.Asn467Ser). This variant is present in population databases (rs754102221, gnomAD 0.002%). This variant has not been reported in the literature in individuals affected with SPATA5-related conditions. ClinVar contains an entry for this variant (Variation ID: 1002171). Advanced modeling of protein sequence and biophysical properties (such as structural, functional, and spatial information, amino acid conservation, physicochemical variation, residue mobility, and thermodynamic stability) performed at Invitae indicates that this missense variant is not expected to disrupt SPATA5 protein function. In summary, the available evidence is currently insufficient to determine the role of this variant in disease. Therefore, it has been classified as a Variant of Uncertain Significance.

NM_145207.3(AFG2A):c.1400A>G (p.Asn467Ser)

Gene: AFG2A (AFG2 AAA ATPase homolog A; plus strand). Cytogenetic location: 4q28.1.
Variant type: single nucleotide variant.
Coding change: c.1400A>G on transcript NM_145207.3 (MANE Select); coding-DNA position 1400, A replaced by G.
Protein change: p.Asn467Ser; replaces asparagine 467 with serine.
Molecular consequence: missense variant.
Genome position (GRCh38, 1-based): chr4:122,938,191, A>G. VCF-style: chr4-122938191-A-G. GRCh37 (hg19) VCF-style: chr4-123859346-A-G.
Other names: c.1397A>G, p.Asn466Ser (NM_001317799.2, NM_001345856.2); short protein forms N466S, N467S.
Identifiers: ClinVar variation 1002171 (VCV001002171.2), dbSNP rs754102221, ClinGen allele CA3070449.